The following is an entry in ClinVar:

NM_018122.5(DARS2):c.1345-266A>G

Gene: DARS2 (aspartyl-tRNA synthetase 2, mitochondrial; plus strand). Cytogenetic location: 1q25.1.
Variant type: single nucleotide variant.
Coding change: c.1345-266A>G on transcript NM_018122.5 (MANE Select); 266 bases into the intron before coding-DNA position 1345, A replaced by G.
Molecular consequence: intron variant.
Genome position (GRCh38, 1-based): chr1:173,853,083, A>G. VCF-style: chr1-173853083-A-G. GRCh37 (hg19) VCF-style: chr1-173822221-A-G.
Other names: c.1192-266A>G (NM_001365212.1).
Identifiers: ClinVar variation 669479 (VCV000669479.1), dbSNP rs2281486, ClinGen allele CA10818482.
Genomic context (GRCh38, chr1:173,853,083, plus strand): 5'-CCCAATTTTACAATGAAAAAGGGTACAGAGAAGTTCGTAATTAGCCACACTGAGATTCAG[A>G]CCCAGGTCTATGAAGTGCTGATCCCTGTGTTCTTAATCACCGAGTTATCAGTACTCACCC-3'

ClinVar aggregate classification (germline): Benign (1 of 4 stars; one submission).

Allele frequency attached by ClinVar (database versions not stated): gnomAD 0.20872 and 0.21212; 1000 Genomes Project 30x 0.21174; TOPMed 0.21252; 1000 Genomes Project 0.21346.
gnomAD v4.1: 32,298 of 152,088 alleles (21%); highest among the groups gnomAD compares: Middle Eastern, 38%; 3,693 homozygotes.

Submission:

GeneDx
Classification: Benign. Last evaluated: 2018-06-14. Review status: criteria provided, single submitter. Criteria: GeneDx Variant Classification (06012015). Collection method: clinical testing. Allele origin: germline. Affected: yes.
Comment: This variant is considered likely benign or benign based on one or more of the following criteria: it is a conservative change, it occurs at a poorly conserved position in the protein, it is predicted to be benign by multiple in silico algorithms, and/or has population frequency not consistent with disease.